The following is an entry in ClinVar:

ClinVar aggregate classification (germline): Uncertain significance (1 of 4 stars; one submission).

Conditions:
Neuropathy, hereditary sensory and autonomic, type 2A (HSAN2A). Also called: ACROOSTEOLYSIS, GIACCAI TYPE; ACROOSTEOLYSIS, NEUROGENIC; MORVAN DISEASE; NEUROPATHY, CONGENITAL SENSORY; NEUROPATHY, HEREDITARY SENSORY RADICULAR, AUTOSOMAL RECESSIVE; NEUROPATHY, HEREDITARY SENSORY, TYPE IIA. Identifiers: Orphanet 970, MedGen C2752089, MONDO:0024309, OMIM 201300.
Pseudohypoaldosteronism type 2C (PHA2C). Also called: Pseudohypoaldosteronism Type IIC. Identifiers: Orphanet 757, Orphanet 88940, MedGen C1840391, MONDO:0013778, OMIM 614492.

Submission:

Labcorp Genetics (formerly Invitae), Labcorp
Classification: Uncertain significance for Neuropathy, hereditary sensory and autonomic, type 2A; Pseudohypoaldosteronism type 2C. Last evaluated: 2024-09-19. Review status: criteria provided, single submitter. Criteria: Invitae Variant Classification Sherloc (09022015). Collection method: clinical testing. Allele origin: germline.
Comment: This sequence change replaces valine, which is neutral and non-polar, with leucine, which is neutral and non-polar, at codon 2200 of the WNK1 protein (p.Val2200Leu). This variant is not present in population databases (gnomAD no frequency). This variant has not been reported in the literature in individuals affected with WNK1-related conditions. Invitae Evidence Modeling of protein sequence and biophysical properties (such as structural, functional, and spatial information, amino acid conservation, physicochemical variation, residue mobility, and thermodynamic stability) indicates that this missense variant is not expected to disrupt WNK1 protein function with a negative predictive value of 95%. In summary, the available evidence is currently insufficient to determine the role of this variant in disease. Therefore, it has been classified as a Variant of Uncertain Significance.

NM_018979.4(WNK1):c.5842G>T (p.Val1948Leu)

Gene: WNK1 (WNK lysine deficient protein kinase 1; plus strand). Cytogenetic location: 12p13.33.
Variant type: single nucleotide variant.
Coding change: c.5842G>T on transcript NM_018979.4 (MANE Select); coding-DNA position 5842, G replaced by T.
Protein change: p.Val1948Leu; replaces valine 1948 with leucine.
Molecular consequence: missense variant.
Genome position (GRCh38, 1-based): chr12:896,329, G>T. VCF-style: chr12-896329-G-T. GRCh37 (hg19) VCF-style: chr12-1005495-G-T.
Other names: c.6622G>T, p.Val2208Leu (NM_001184985.2); c.5098G>T, p.Val1700Leu (NM_014823.3); c.6598G>T, p.Val2200Leu (NM_213655.5); short protein forms V1700L, V1948L, V2200L, V2208L.
Identifiers: ClinVar variation 3751412 (VCV003751412.2).
Genomic context (GRCh38, chr12:896,329, plus strand): 5'-ACTACTGCCTCAGAGGCAAAGTCAGACACTGGGCAGCCTACCAAGGTTGGACGTTTTCAG[G>T]TGACAACTACAGCAAACAAAGTGGGTCGTTTCTCTGTATCAAAAACTGAGGACAAGATCA-3'
Protein context (NP_061852.3, residues 1938-1958): GQPTKVGRFQ[Val1948Leu]TTTANKVGRF